The following is an entry in ClinVar:

NM_020822.3(KCNT1):c.2349+326G>T

Gene: KCNT1 (potassium sodium-activated channel subfamily T member 1; plus strand). Cytogenetic location: 9q34.3.
Variant type: single nucleotide variant.
Coding change: c.2349+326G>T on transcript NM_020822.3 (MANE Select); 326 bases into the intron after coding-DNA position 2349, G replaced by T.
Molecular consequence: intron variant.
Genome position (GRCh38, 1-based): chr9:135,775,741, G>T. VCF-style: chr9-135775741-G-T. GRCh37 (hg19) VCF-style: chr9-138667587-G-T.
Other names: c.2214+326G>T (NM_001272003.2).
Identifiers: ClinVar variation 671986 (VCV000671986.1), dbSNP rs530593370, ClinGen allele CA201476320.

ClinVar aggregate classification (germline): Benign (1 of 4 stars; one submission).

Allele frequency attached by ClinVar (database versions not stated): 1000 Genomes Project 0.03275; 1000 Genomes Project 30x 0.03498.
gnomAD v4.1: 5,449 of 152,192 alleles (3.6%); highest among the groups gnomAD compares: Middle Eastern, 11%; 138 homozygotes.

Submission:

GeneDx
Classification: Benign. Last evaluated: 2018-06-19. Review status: criteria provided, single submitter. Criteria: GeneDx Variant Classification (06012015). Collection method: clinical testing. Allele origin: germline. Affected: yes.
Comment: This variant is considered likely benign or benign based on one or more of the following criteria: it is a conservative change, it occurs at a poorly conserved position in the protein, it is predicted to be benign by multiple in silico algorithms, and/or has population frequency not consistent with disease.